The following is an entry in ClinVar:

ClinVar aggregate classification (germline): Uncertain significance. Review status: criteria provided, multiple submitters, no conflicts (2 of 4 stars). 2 submissions from 2 submitters: Uncertain significance (2). Last evaluated 2023-03-13.

Conditions:
Arrhythmogenic right ventricular dysplasia 13. Also called: ARRHYTHMOGENIC RIGHT VENTRICULAR CARDIOMYOPATHY 13; Arrhythmogenic right ventricular dysplasia, familial, 13. Identifiers: MedGen C3810138, MONDO:0000908, OMIM 615616.

Allele frequency attached by ClinVar (database versions not stated): gnomAD exomes below 0.00001; ExAC 0.00001; gnomAD 0.00001.
gnomAD v4.1: 2 of 1,613,462 alleles (0.00012%); highest among the groups gnomAD compares: Admixed American, 0.0017%; no homozygotes.

Submissions (2):

Labcorp Genetics (formerly Invitae), Labcorp
Classification: Uncertain significance for Arrhythmogenic right ventricular dysplasia 13. Last evaluated: 2023-03-13. Review status: criteria provided, single submitter. Criteria: Invitae Variant Classification Sherloc (09022015). Collection method: clinical testing. Allele origin: germline.
Comment: In summary, the available evidence is currently insufficient to determine the role of this variant in disease. Therefore, it has been classified as a Variant of Uncertain Significance. Algorithms developed to predict the effect of sequence changes on RNA splicing suggest that this variant may disrupt the consensus splice site. Advanced modeling of protein sequence and biophysical properties (such as structural, functional, and spatial information, amino acid conservation, physicochemical variation, residue mobility, and thermodynamic stability) performed at Invitae indicates that this missense variant is not expected to disrupt CTNNA3 protein function. ClinVar contains an entry for this variant (Variation ID: 1764335). This variant has not been reported in the literature in individuals affected with CTNNA3-related conditions. This variant is present in population databases (rs775706157, gnomAD 0.0009%). This sequence change replaces threonine, which is neutral and polar, with isoleucine, which is neutral and non-polar, at codon 290 of the CTNNA3 protein (p.Thr290Ile).

Ambry Genetics
Classification: Uncertain significance. Last evaluated: 2023-02-16. Review status: criteria provided, single submitter. Criteria: Ambry Variant Classification Scheme 2023. Collection method: clinical testing. Allele origin: germline.

NM_013266.4(CTNNA3):c.869C>T (p.Thr290Ile)

Gene: CTNNA3 (catenin alpha 3; minus strand). Cytogenetic location: 10q21.3.
Variant type: single nucleotide variant.
Coding change: c.869C>T on transcript NM_013266.4 (MANE Select); coding-DNA position 869, C replaced by T.
Protein change: p.Thr290Ile; replaces threonine 290 with isoleucine.
Molecular consequence: missense variant.
Genome position (GRCh38, 1-based): chr10:67,180,495, G>A on the plus strand (C>T on the coding strand, the complement: CTNNA3 is on the minus strand). VCF-style: chr10-67180495-G-A. GRCh37 (hg19) VCF-style: chr10-68940253-G-A.
Other names: c.869C>T, p.Thr290Ile (NM_001127384.3); c.905C>T, p.Thr302Ile (NM_001291133.2); short protein forms T290I, T302I.
Identifiers: ClinVar variation 1764335 (VCV001764335.5), dbSNP rs775706157, ClinGen allele CA5520462.
Genomic context (GRCh38, chr10:67,180,495, plus strand): 5'-CCACTGATAATGGCTTCAAGGCGTTTCTCTAGTGATGGTCGTATTTCCTCCTCAGTTACT[G>A]TGAGTGGATTCAGGACAATTAAATTCTAAGAGAAGAACACATTTGTATGGTTAGAGCTCC-3'
Protein context (NP_037398.2, residues 280-300): LENLIVLNPL[Thr290Ile]VTEEEIRPSL